The following is an entry in ClinVar:

NM_001326411.2(PISD):c.873G>C (p.Met291Ile)

Gene: PISD (phosphatidylserine decarboxylase; minus strand). Cytogenetic location: 22q12.2.
Variant type: single nucleotide variant.
Coding change: c.873G>C on transcript NM_001326411.2 (MANE Select); coding-DNA position 873, G replaced by C.
Protein change: p.Met291Ile; replaces methionine 291 with isoleucine.
Molecular consequence: missense variant. On other transcripts: intron variant (3).
Genome position (GRCh38, 1-based): chr22:31,620,685, C>G on the plus strand (G>C on the coding strand, the complement: PISD is on the minus strand). VCF-style: chr22-31620685-C-G. GRCh37 (hg19) VCF-style: chr22-32016671-C-G.
Other names: c.810G>C, p.Met270Ile (NM_001326412.1, NM_001326413.2, NM_001326414.2); c.771G>C, p.Met257Ile (NM_001326415.2, NM_001326416.2, NM_001326417.2 and 2 more transcripts); c.693G>C, p.Met231Ile (NM_001326418.2); c.844+311G>C (NM_001326421.1); c.665-86G>C (NM_001326420.2); c.743-86G>C (NM_001326419.2); short protein forms M231I, M291I, M257I, M270I.
Identifiers: ClinVar variation 1522720 (VCV001522720.6), dbSNP rs76005862, ClinGen allele CA10194605.
Genomic context (GRCh38, chr22:31,620,685, plus strand): 5'-CCAGTCCCCCGTCAGGACCACCCGCTCGTTATGGCAGAAGAGCTCTTTGATCCAGCGAGC[C>G]ATGCCAGGGTTCACTGACATCAGGGAGCCTGCAGAGGCAGGGAATGCCGCTACTCCCCGT-3'
Protein context (NP_001313340.1, residues 281-301): PGSLMSVNPG[Met291Ile]ARWIKELFCH

ClinVar aggregate classification (germline): Uncertain significance (1 of 4 stars; one submission).

Allele frequency attached by ClinVar (database versions not stated): gnomAD 0.00001; TOPMed 0.00002; ExAC 0.00004; gnomAD exomes 0.00004.

Submission:

Labcorp Genetics (formerly Invitae), Labcorp
Classification: Uncertain significance. Last evaluated: 2022-06-13. Review status: criteria provided, single submitter. Criteria: Invitae Variant Classification Sherloc (09022015). Collection method: clinical testing. Allele origin: germline.
Comment: This sequence change replaces methionine with isoleucine at codon 291 of the PISD protein (p.Met291Ile). The methionine residue is weakly conserved and there is a small physicochemical difference between methionine and isoleucine. This variant is present in population databases (rs76005862, gnomAD 0.008%). This variant has not been reported in the literature in individuals affected with PISD-related conditions. Algorithms developed to predict the effect of missense changes on protein structure and function are either unavailable or do not agree on the potential impact of this missense change (SIFT: "Not Available"; PolyPhen-2: "Benign"; Align-GVGD: "Not Available"). In summary, the available evidence is currently insufficient to determine the role of this variant in disease. Therefore, it has been classified as a Variant of Uncertain Significance.